The following is an entry in ClinVar:

NM_177438.3(DICER1):c.2942C>G (p.Thr981Ser)

Gene: DICER1 (dicer 1, ribonuclease III; minus strand). Cytogenetic location: 14q32.13.
Variant type: single nucleotide variant.
Coding change: c.2942C>G on transcript NM_177438.3 (MANE Select); coding-DNA position 2942, C replaced by G.
Protein change: p.Thr981Ser; replaces threonine 981 with serine.
Molecular consequence: missense variant. On other transcripts: non-coding transcript variant (6).
Genome position (GRCh38, 1-based): chr14:95,106,086, G>C on the plus strand (C>G on the coding strand, the complement: DICER1 is on the minus strand). VCF-style: chr14-95106086-G-C. GRCh37 (hg19) VCF-style: chr14-95572423-G-C.
Other names: c.2942C>G, p.Thr981Ser (NM_001195573.1, NM_001271282.3, NM_001291628.2 and 13 more transcripts); c.2660C>G, p.Thr887Ser (NM_001395686.1); c.2537C>G, p.Thr846Ser (NM_001395687.1, NM_001395688.1, NM_001395689.1 and 2 more transcripts); c.2375C>G, p.Thr792Ser (NM_001395691.1); c.1259C>G, p.Thr420Ser (NM_001395697.1); short protein forms T792S, T846S, T981S, T887S, T420S.
Identifiers: ClinVar variation 1905201 (VCV001905201.5), dbSNP rs2542786262, ClinGen allele CA390878896.
Genomic context (GRCh38, chr14:95,106,086, plus strand): 5'-TCTGAAGCCCCTTACCTTGAAGATGTGTGGTCCACATCCAGCAGTGGCTGGTTGAGATTG[G>C]TTAGGTCAAGGTTGTACTTTGTTTTATAATATTCTGCAAAAGTTTCATACTCAGGGGAAG-3'
Protein context (NP_803187.1, residues 971-991): YYKTKYNLDL[Thr981Ser]NLNQPLLDVD

ClinVar aggregate classification (germline): Uncertain significance (1 of 4 stars; one submission).

Conditions:
DICER1-related tumor predisposition. Also called: DICER1-related pleuropulmonary blastoma cancer predisposition syndrome; DICER1 syndrome. Identifiers: Orphanet 284343, MedGen C3839822, MONDO:0100216.

Submission:

Labcorp Genetics (formerly Invitae), Labcorp
Classification: Uncertain significance for DICER1-related tumor predisposition. Last evaluated: 2024-07-30. Review status: criteria provided, single submitter. Criteria: Invitae Variant Classification Sherloc (09022015). Collection method: clinical testing. Allele origin: germline.
Comment: This sequence change replaces threonine, which is neutral and polar, with serine, which is neutral and polar, at codon 981 of the DICER1 protein (p.Thr981Ser). This variant is not present in population databases (gnomAD no frequency). This variant has not been reported in the literature in individuals affected with DICER1-related conditions. ClinVar contains an entry for this variant (Variation ID: 1905201). Advanced modeling of protein sequence and biophysical properties (such as structural, functional, and spatial information, amino acid conservation, physicochemical variation, residue mobility, and thermodynamic stability) performed at Invitae indicates that this missense variant is not expected to disrupt DICER1 protein function with a negative predictive value of 80%. In summary, the available evidence is currently insufficient to determine the role of this variant in disease. Therefore, it has been classified as a Variant of Uncertain Significance.